The following is an entry in ClinVar:

NM_001035.3(RYR2):c.5776G>A (p.Val1926Ile)

Gene: RYR2 (ryanodine receptor 2; plus strand). Cytogenetic location: 1q43.
Variant type: single nucleotide variant.
Coding change: c.5776G>A on transcript NM_001035.3 (MANE Select); coding-DNA position 5776, G replaced by A.
Protein change: p.Val1926Ile; replaces valine 1926 with isoleucine.
Molecular consequence: missense variant.
Genome position (GRCh38, 1-based): chr1:237,617,346, G>A. VCF-style: chr1-237617346-G-A. GRCh37 (hg19) VCF-style: chr1-237780646-G-A.
Other names: short protein forms V1926I.
Identifiers: ClinVar variation 1749577 (VCV001749577.6), dbSNP rs1215061392, ClinGen allele CA345406962.

ClinVar aggregate classification (germline): Uncertain significance. Review status: criteria provided, multiple submitters, no conflicts (2 of 4 stars). 4 submissions from 4 submitters: Uncertain significance (4). Last evaluated 2024-09-08.

Conditions:
Catecholaminergic polymorphic ventricular tachycardia (CVPT). Also called: Catecholamine-induced polymorphic ventricular tachycardia. Identifiers: Orphanet 3286, MedGen C5574922, MONDO:0017990.
Cardiovascular phenotype. Identifiers: MedGen CN230736.
Catecholaminergic polymorphic ventricular tachycardia 1. Also called: VENTRICULAR TACHYCARDIA, CATECHOLAMINERGIC POLYMORPHIC, 1, WITH OR WITHOUT ATRIAL DYSFUNCTION AND/OR DILATED CARDIOMYOPATHY; RYR2-Related Catecholaminergic Polymorphic Ventricular Tachycardia; VENTRICULAR TACHYCARDIA, STRESS-INDUCED POLYMORPHIC 1. Identifiers: Orphanet 3286, MedGen C1631597, MONDO:0011484, OMIM 604772.

Allele frequency attached by ClinVar (database versions not stated): gnomAD exomes below 0.00001.
gnomAD v4.1: 5 of 1,613,924 alleles (0.00031%); highest among the groups gnomAD compares: Non-Finnish European, 0.00042%; no homozygotes.

Submissions (4):

Labcorp Genetics (formerly Invitae), Labcorp
Classification: Uncertain significance for Catecholaminergic polymorphic ventricular tachycardia 1. Last evaluated: 2024-09-08. Review status: criteria provided, single submitter. Criteria: Invitae Variant Classification Sherloc (09022015). Collection method: clinical testing. Allele origin: germline.
Comment: This sequence change replaces valine, which is neutral and non-polar, with isoleucine, which is neutral and non-polar, at codon 1926 of the RYR2 protein (p.Val1926Ile). This variant is present in population databases (no rsID available, gnomAD 0.0009%). This variant has not been reported in the literature in individuals affected with RYR2-related conditions. ClinVar contains an entry for this variant (Variation ID: 1749577). Invitae Evidence Modeling of protein sequence and biophysical properties (such as structural, functional, and spatial information, amino acid conservation, physicochemical variation, residue mobility, and thermodynamic stability) indicates that this missense variant is not expected to disrupt RYR2 protein function with a negative predictive value of 95%. In summary, the available evidence is currently insufficient to determine the role of this variant in disease. Therefore, it has been classified as a Variant of Uncertain Significance.

Blueprint Genetics
Classification: Uncertain significance. Last evaluated: 2023-09-08. Review status: criteria provided, single submitter. Criteria: ACMG Guidelines, 2015. Collection method: clinical testing. Allele origin: germline.

All of Us Research Program, National Institutes of Health
Classification: Uncertain significance for Catecholaminergic polymorphic ventricular tachycardia. Last evaluated: 2023-09-05. Review status: criteria provided, single submitter. Criteria: ACMG Guidelines, 2015. Collection method: clinical testing. Allele origin: germline. Inheritance: Autosomal dominant inheritance. Observed: 3 variant alleles, 3 heterozygotes.
Comment: This missense variant replaces valine with isoleucine at codon 1926 of the RYR2 protein. Computational prediction suggests that this variant may not impact protein structure and function (internally defined REVEL score threshold <= 0.5, PMID: 27666373). To our knowledge, functional studies have not been reported for this variant. This variant has not been reported in individuals affected with RYR2-related disorders in the literature. This variant has been identified in 1/248782 chromosomes in the general population by the Genome Aggregation Database (gnomAD). The available evidence is insufficient to determine the role of this variant in disease conclusively. Therefore, this variant is classified as a Variant of Uncertain Significance.

This study involves interpretation of variants in research participants for the purpose of population health screening. Participant phenotype was not available at the time of variant classification. Additional details can be found in publication PMID: 35346344, PMCID: PMC8962531

Ambry Genetics
Classification: Uncertain significance for Cardiovascular phenotype. Last evaluated: 2021-06-17. Review status: criteria provided, single submitter. Criteria: Ambry Variant Classification Scheme 2023. Collection method: clinical testing. Allele origin: germline.
Comment: The p.V1926I variant (also known as c.5776G>A), located in coding exon 38 of the RYR2 gene, results from a G to A substitution at nucleotide position 5776. The valine at codon 1926 is replaced by isoleucine, an amino acid with highly similar properties. This amino acid position is highly conserved in available vertebrate species. In addition, this alteration is predicted to be tolerated by in silico analysis. Since supporting evidence is limited at this time, the clinical significance of this alteration remains unclear.